The following is an entry in ClinVar:

NM_177438.3(DICER1):c.4007del (p.Pro1336fs)

Gene: DICER1 (dicer 1, ribonuclease III; minus strand). Cytogenetic location: 14q32.13.
Variant type: Deletion.
Coding change: c.4007del on transcript NM_177438.3 (MANE Select); coding-DNA position 4007, one base deleted (C; older notation c.4007delC).
Protein change: p.Pro1336fs; shifts the reading frame from proline 1336.
Molecular consequence: frameshift variant.
Genome position (GRCh38, 1-based): chr14:95,103,389, G deleted on the plus strand (C on the coding strand, the reverse complement: DICER1 is on the minus strand); the first of 3 consecutive G bases (chr14:95,103,389-95,103,391); deleting any one gives the same sequence. VCF-style (leftmost placement, unchanged base first): chr14-95103388-AG-A. GRCh37 (hg19) VCF-style: chr14-95569725-AG-A.
Other names: c.4007delC (NM_177438.2); c.4007del, p.Pro1336fs (NM_001195573.1, NM_001271282.3, NM_001291628.2 and 1 more transcripts); short protein forms P1336fs.
Identifiers: ClinVar variation 837809 (VCV000837809.14), dbSNP rs1891071442, ClinGen allele CA916081742.

ClinVar aggregate classification (germline): Pathogenic. Review status: criteria provided, multiple submitters, no conflicts (2 of 4 stars). 4 submissions from 4 submitters: Pathogenic (4). Last evaluated 2026-08-11.

Conditions:
DICER1-related tumor predisposition. Also called: DICER1-related pleuropulmonary blastoma cancer predisposition syndrome; DICER1 syndrome. Identifiers: Orphanet 284343, MedGen C3839822, MONDO:0100216.
DICER1-related disorder. Also called: DICER1-related condition.
Hereditary cancer-predisposing syndrome. Also called: Neoplastic Syndromes, Hereditary; Hereditary Cancer Syndrome; Tumor predisposition; Hereditary neoplastic syndrome. Identifiers: Orphanet 140162, MedGen C0027672, MeSH D009386, MONDO:0015356.

Submissions (4):

PreventionGenetics, part of Exact Sciences
Classification: Pathogenic for DICER1-related condition. Last evaluated: 2026-08-11. Review status: criteria provided, single submitter. Criteria: ACMG Guidelines, 2015. Collection method: clinical testing. Allele origin: germline.
Comment: The DICER1 c.4007delC variant is predicted to result in a frameshift and premature protein termination (p.Pro1336Leufs*11). This variant was reported in an individual with mesenchymal hamartoma of the liver and additional features of DICER1 syndrome (Apellaniz-Ruiz et al. 2019. PubMed ID: 31067372). This variant has not been reported in a large population database (gnomAD), indicating this variant is rare. This variant is interpreted as pathogenic in ClinVar (Variation ID: 837809). Frameshift variants in DICER1 are expected to be pathogenic. This variant is interpreted as pathogenic.

Labcorp Genetics (formerly Invitae), Labcorp
Classification: Pathogenic for DICER1-related tumor predisposition. Last evaluated: 2025-02-04. Review status: criteria provided, single submitter. Criteria: Invitae Variant Classification Sherloc (09022015). Collection method: clinical testing. Allele origin: germline.
Comment: This sequence change creates a premature translational stop signal (p.Pro1336Leufs*11) in the DICER1 gene. It is expected to result in an absent or disrupted protein product. Loss-of-function variants in DICER1 are known to be pathogenic (PMID: 19556464, 21266384). This variant is not present in population databases (gnomAD no frequency). This variant has not been reported in the literature in individuals affected with DICER1-related conditions. ClinVar contains an entry for this variant (Variation ID: 837809). For these reasons, this variant has been classified as Pathogenic.

Ambry Genetics
Classification: Pathogenic for Hereditary cancer-predisposing syndrome. Last evaluated: 2021-12-23. Review status: criteria provided, single submitter. Criteria: Ambry Variant Classification Scheme 2023. Collection method: clinical testing. Allele origin: germline.
Comment: The c.4007delC pathogenic mutation, located in coding exon 20 of the DICER1 gene, results from a deletion of one nucleotide at nucleotide position 4007, causing a translational frameshift with a predicted alternate stop codon (p.P1336Lfs*11). This alteration has been identified as a de novo finding in a child with mesenchymal hamartoma of the liver, thyroid nodules and follicular thyroid adenoma (Apellaniz-Ruiz M et al. N Engl J Med, 2019 05;380:1834-1842). This alteration is expected to result in loss of function by premature protein truncation or nonsense-mediated mRNA decay. As such, this alteration is interpreted as a disease-causing mutation.

Foulkes Cancer Genetics LDI, Lady Davis Institute for Medical Research
Classification: Pathogenic for Pleuropulmonary blastoma. Last evaluated: 2019-07-01. Review status: criteria provided, single submitter. Criteria: ACMG Guidelines, 2015. Collection method: curation. Allele origin: germline. Affected: yes. Observed: 1 variant allele.
Comment: ACMG criteria met: PVS1, PM2, PP4

Literature cited by the submitters: PubMed 19556464 (cited by Labcorp Genetics (formerly Invitae), Labcorp); PubMed 21266384 (cited by Labcorp Genetics (formerly Invitae), Labcorp); PubMed 31067372 (cited by Ambry Genetics); PubMed 24481001 (cited by Foulkes Cancer Genetics LDI, Lady Davis Institute for Medical Research).